The following is an entry in ClinVar:

ClinVar aggregate classification (germline): Uncertain significance (1 of 4 stars; one submission).

Conditions:
Aortic aneurysm, familial thoracic 10 (AAT10). Identifiers: MedGen C4284414, MONDO:0014950, OMIM 617168.

gnomAD v4.1: 27 of 1,527,574 alleles (0.0018%); highest among the groups gnomAD compares: Non-Finnish European, 0.0024%; no homozygotes.

Submission:

ARUP Laboratories, Molecular Genetics and Genomics, ARUP Laboratories
Classification: Uncertain significance for Aortic aneurysm, familial thoracic 10. Last evaluated: 2022-12-30. Review status: criteria provided, single submitter. Criteria: ARUP Molecular Germline Variant Investigation Process 2024. Collection method: clinical testing. Allele origin: germline.
Comment: The LOX c.95C>G; p.Pro32Arg variant (rs780762236), to our knowledge, is not reported in the medical literature or gene specific databases. This variant is also absent from the Genome Aggregation Database, indicating it is not a common polymorphism. The proline at codon 32 is moderately conserved, and computational analyses predict that this variant is neutral (REVEL: 0.033). Due to limited information, the clinical significance of this variant is uncertain at this time.

NM_002317.7(LOX):c.95C>G (p.Pro32Arg)

Genes: LOX (lysyl oxidase; minus strand), SRFBP1 (serum response factor binding protein 1; plus strand). Cytogenetic location: 5q23.1.
Variant type: single nucleotide variant.
Coding change: c.95C>G on transcript NM_002317.7 (MANE Select); coding-DNA position 95, C replaced by G.
Protein change: p.Pro32Arg; replaces proline 32 with arginine.
Molecular consequence: missense variant.
Genome position (GRCh38, 1-based): chr5:122,077,891, G>C on the plus strand (C>G on the coding strand, the complement: LOX is on the minus strand). VCF-style: chr5-122077891-G-C. GRCh37 (hg19) VCF-style: chr5-121413586-G-C.
Other names: short protein forms P32R.
Identifiers: ClinVar variation 2920861 (VCV002920861.1), dbSNP rs780762236, ClinGen allele CA360878451.
Genomic context (GRCh38, chr5:122,077,891, plus strand): 5'-CCGTTGTTCTCCCATTGGATCTGCTGGCGCCAGGCGCCCGGAGCCGCCGGCGGCTCGCGC[G>C]GGGGCTGCTGTTGGCCGGCGGCGGGAGGGGCGCAGTGCACTAGCGCGCAGAGCTGCAAAG-3'
Protein context (NP_002308.2, residues 22-42): APPAAGQQQP[Pro32Arg]REPPAAPGAW